The following is an entry in ClinVar:

NM_004656.4(BAP1):c.340C>T (p.Arg114Cys)

Gene: BAP1 (BRCA1 associated deubiquitinase 1; minus strand). Cytogenetic location: 3p21.1.
Variant type: single nucleotide variant.
Coding change: c.340C>T on transcript NM_004656.4 (MANE Select); coding-DNA position 340, C replaced by T.
Protein change: p.Arg114Cys; replaces arginine 114 with cysteine.
Molecular consequence: missense variant.
Genome position (GRCh38, 1-based): chr3:52,407,993, G>A on the plus strand (C>T on the coding strand, the complement: BAP1 is on the minus strand). VCF-style: chr3-52407993-G-A. GRCh37 (hg19) VCF-style: chr3-52442009-G-A.
Other names: c.340C>T (LRG_529t1); short protein forms R114C.
Identifiers: ClinVar variation 489633 (VCV000489633.21), dbSNP rs761048859, ClinGen allele CA2437123.
Genomic context (GRCh38, chr3:52,407,993, plus strand): 5'-CCAGGATGAAGGCACTGCAGCCTACCTCAGGGCTGAAACCCTTGGTGAAGTCCTTCATGC[G>A]ACTCAGGGTGGGTCCCAGGTCCACGCTGCTGCAGTTCAGGAGCACGCTCAGCAAGGCATG-3'
Protein context (NP_004647.1, residues 104-124): SSVDLGPTLS[Arg114Cys]MKDFTKGFSP

ClinVar aggregate classification (germline): Conflicting classifications of pathogenicity. Review status: criteria provided, conflicting classifications (1 of 4 stars). 7 submissions from 7 submitters: Uncertain significance (6); Likely benign (1). Last evaluated 2025-11-10.

Conditions:
BAP1-related disorder. Also called: BAP1-related condition.
BAP1-related tumor predisposition syndrome (TPDS1). Also called: Tumor susceptibility linked to germline BAP1 mutations; COMMON Syndrome; BAP1 tumor predisposition syndrome; TUMOR PREDISPOSITION SYNDROME 1. Identifiers: Orphanet 289539, MedGen C3280492, MONDO:0013692, OMIM 614327.
Kury-Isidor syndrome (KURIS). Identifiers: MedGen C5676925, MONDO:0859230, OMIM 619762.
Hereditary cancer-predisposing syndrome. Also called: Neoplastic Syndromes, Hereditary; Hereditary Cancer Syndrome; Tumor predisposition; Hereditary neoplastic syndrome. Identifiers: Orphanet 140162, MedGen C0027672, MeSH D009386, MONDO:0015356.

Allele frequency attached by ClinVar (database versions not stated): TOPMed below 0.00001; ExAC 0.00002; gnomAD exomes 0.00002.

Submissions (7):

Labcorp Genetics (formerly Invitae), Labcorp
Classification: Uncertain significance for BAP1-related tumor predisposition syndrome. Last evaluated: 2025-11-10. Review status: criteria provided, single submitter. Criteria: Invitae Variant Classification Sherloc (09022015). Collection method: clinical testing. Allele origin: germline.
Comment: This sequence change replaces arginine, which is basic and polar, with cysteine, which is neutral and slightly polar, at codon 114 of the BAP1 protein (p.Arg114Cys). This variant is present in population databases (rs761048859, gnomAD 0.01%). This variant has not been reported in the literature in individuals affected with BAP1-related conditions. ClinVar contains an entry for this variant (Variation ID: 489633). Invitae Evidence Modeling of protein sequence and biophysical properties (such as structural, functional, and spatial information, amino acid conservation, physicochemical variation, residue mobility, and thermodynamic stability) indicates that this missense variant is not expected to disrupt BAP1 protein function with a negative predictive value of 80%. In summary, the available evidence is currently insufficient to determine the role of this variant in disease. Therefore, it has been classified as a Variant of Uncertain Significance.

PreventionGenetics, part of Exact Sciences
Classification: Uncertain significance for BAP1-related condition. Last evaluated: 2025-03-17. Review status: criteria provided, single submitter. Criteria: ACMG Guidelines, 2015. Collection method: clinical testing. Allele origin: germline.
Comment: The BAP1 c.340C>T variant is predicted to result in the amino acid substitution p.Arg114Cys. To our knowledge, this variant has not been reported in the literature. This variant is reported in 0.0098% of alleles in individuals of South Asian descent in gnomAD and has conflicting interpretations regarding its pathogenicity in ClinVar, ranging from likely benign to uncertain. At this time, the clinical significance of this variant is uncertain due to the absence of conclusive functional and genetic evidence.

Color Diagnostics, LLC DBA Color Health
Classification: Uncertain significance for Hereditary cancer-predisposing syndrome. Last evaluated: 2024-03-06. Review status: criteria provided, single submitter. Criteria: ACMG Guidelines, 2015. Collection method: clinical testing. Allele origin: germline.
Comment: This missense variant replaces arginine with cysteine at codon 114 of the BAP1 protein. Computational prediction is inconclusive regarding the impact of this variant on protein structure and function (internally defined REVEL score threshold 0.5 < inconclusive < 0.7, PMID: 27666373). To our knowledge, functional studies have not been reported for this variant. This variant has not been reported in individuals affected with hereditary cancer in the literature. This variant has been identified in 6/251128 chromosomes in the general population by the Genome Aggregation Database (gnomAD). The available evidence is insufficient to determine the role of this variant in disease conclusively. Therefore, this variant is classified as a Variant of Uncertain Significance.

Baylor Genetics
Classification: Uncertain significance for BAP1-related tumor predisposition syndrome. Last evaluated: 2024-02-20. Review status: criteria provided, single submitter. Criteria: ACMG Guidelines, 2015. Collection method: clinical testing. Allele origin: unknown.

GeneDx
Classification: Uncertain significance. Last evaluated: 2024-02-02. Review status: criteria provided, single submitter. Criteria: GeneDx Variant Classification Process June 2021. Collection method: clinical testing. Allele origin: germline. Affected: yes.
Comment: In silico analysis supports that this missense variant has a deleterious effect on protein structure/function; Has not been previously published as pathogenic or benign to our knowledge

Ambry Genetics
Classification: Likely benign for Hereditary cancer-predisposing syndrome. Last evaluated: 2022-06-29. Review status: criteria provided, single submitter. Criteria: Ambry Variant Classification Scheme 2023. Collection method: clinical testing. Allele origin: germline.

Fulgent Genetics
Classification: Uncertain significance for BAP1-related tumor predisposition syndrome; Kury-Isidor syndrome. Last evaluated: 2021-10-27. Review status: criteria provided, single submitter. Criteria: ACMG Guidelines, 2015. Collection method: clinical testing. Allele origin: unknown.